The following is an entry in ClinVar:

NM_001365276.2(TNXB):c.1126G>A (p.Asp376Asn)

Gene: TNXB (tenascin XB; minus strand). Cytogenetic location: 6p21.33.
Variant type: single nucleotide variant.
Coding change: c.1126G>A on transcript NM_001365276.2 (MANE Select); coding-DNA position 1126, G replaced by A.
Protein change: p.Asp376Asn; replaces aspartic acid 376 with asparagine.
Molecular consequence: missense variant.
Genome position (GRCh38, 1-based): chr6:32,096,727, C>T on the plus strand (G>A on the coding strand, the complement: TNXB is on the minus strand). VCF-style: chr6-32096727-C-T. GRCh37 (hg19) VCF-style: chr6-32064504-C-T.
Other names: c.1126G>A, p.Asp376Asn (NM_019105.8); short protein forms D376N.
Identifiers: ClinVar variation 2586130 (VCV002586130.2), dbSNP rs1780409513, ClinGen allele CA363483572.

ClinVar aggregate classification (germline): Uncertain significance (1 of 4 stars; one submission).

Conditions:
Cardiovascular phenotype. Identifiers: MedGen CN230736.

Allele frequency attached by ClinVar (database versions not stated): gnomAD 0.00001; 1000 Genomes Project 30x 0.00016.
gnomAD v4.1: 5 of 1,552,350 alleles (0.00032%); highest among the groups gnomAD compares: South Asian, 0.0047%; 1 homozygote.

Submission:

Ambry Genetics
Classification: Uncertain significance for Cardiovascular phenotype. Last evaluated: 2023-09-08. Review status: criteria provided, single submitter. Criteria: Ambry Variant Classification Scheme 2023. Collection method: clinical testing. Allele origin: germline.
Comment: The p.D376N variant (also known as c.1126G>A), located in coding exon 2 of the TNXB gene, results from a G to A substitution at nucleotide position 1126. The aspartic acid at codon 376 is replaced by asparagine, an amino acid with highly similar properties. This amino acid position is conserved. In addition, this alteration is predicted to be tolerated by in silico analysis. Since supporting evidence is limited at this time, the clinical significance of this alteration remains unclear.